The following is an entry in ClinVar:

ClinVar aggregate classification (germline): Pathogenic (1 of 4 stars; one submission).

Conditions:
Familial cancer of breast. Also called: Hereditary breast cancer; BREAST CANCER, FAMILIAL; hereditary breast carcinoma. Identifiers: Orphanet 227535, MedGen C0346153, MONDO:0016419, OMIM 114480. Disease mechanism: loss of function.

Submission:

Myriad Genetics, Inc.
Classification: Pathogenic for Familial cancer of breast. Last evaluated: 2023-06-01. Review status: criteria provided, single submitter. Criteria: Myriad Autosomal Dominant, Autosomal Recessive and X-Linked Classification Criteria (2023). Collection method: clinical testing. Allele origin: unknown.
Comment: This variant is considered pathogenic. This variant creates a frameshift predicted to result in premature protein truncation.

NM_032043.3(BRIP1):c.850dup (p.Val284fs)

Gene: BRIP1 (BRCA1 interacting DNA helicase 1; minus strand). Cytogenetic location: 17q23.2.
Variant type: Duplication.
Coding change: c.850dup on transcript NM_032043.3 (MANE Select); coding-DNA position 850, one base duplicated (G; older notation c.850dupG).
Protein change: p.Val284fs; shifts the reading frame from valine 284.
Molecular consequence: frameshift variant.
Genome position (GRCh38, 1-based): chr17:61,808,535, C duplicated on the plus strand (G on the coding strand, the reverse complement: BRIP1 is on the minus strand). VCF-style (leftmost placement, unchanged base first): chr17-61808534-A-AC. GRCh37 (hg19) VCF-style: chr17-59885895-A-AC.
Other names: short protein forms V284fs.
Identifiers: ClinVar variation 2583531 (VCV002583531.2), dbSNP rs2545194135, ClinGen allele CA2582342236.